The following is an entry in ClinVar:

NM_001611.5(ACP5):c.736-3C>T

Gene: ACP5 (acid phosphatase 5, tartrate resistant; minus strand). Cytogenetic location: 19p13.2.
Variant type: single nucleotide variant.
Coding change: c.736-3C>T on transcript NM_001611.5 (MANE Select); 3 bases into the intron before coding-DNA position 736, C replaced by T.
Molecular consequence: intron variant.
Genome position (GRCh38, 1-based): chr19:11,575,255, G>A on the plus strand (C>T on the coding strand, the complement: ACP5 is on the minus strand). VCF-style: chr19-11575255-G-A. GRCh37 (hg19) VCF-style: chr19-11686070-G-A.
Other names: c.736-3C>T (NM_001111036.3, NM_001111035.3, NM_001111034.3 and 1 more transcripts).
Identifiers: ClinVar variation 1353878 (VCV001353878.4), dbSNP rs773090099, ClinGen allele CA9215333.

ClinVar aggregate classification (germline): Uncertain significance (1 of 4 stars; one submission).

Conditions:
Spondyloenchondrodysplasia with immune dysregulation (SPENCDI). Also called: ROIFMAN IMMUNOSKELETAL SYNDROME; COMBINED IMMUNODEFICIENCY WITH AUTOIMMUNITY AND SPONDYLOMETAPHYSEAL DYSPLASIA; SPONDYLOENCHONDRODYSPLASIA WITH OR WITHOUT IMMUNE DYSREGULATION. Identifiers: Orphanet 1855, MedGen C1842763, MONDO:0011939, OMIM 607944.

gnomAD v4.1: 2 of 1,613,474 alleles (0.00012%); highest among the groups gnomAD compares: Non-Finnish European, 0.000085%; no homozygotes.

Submission:

Labcorp Genetics (formerly Invitae), Labcorp
Classification: Uncertain significance for Spondyloenchondrodysplasia with immune dysregulation. Last evaluated: 2023-08-30. Review status: criteria provided, single submitter. Criteria: Invitae Variant Classification Sherloc (09022015). Collection method: clinical testing. Allele origin: germline.
Comment: This sequence change falls in intron 6 of the ACP5 gene. It does not directly change the encoded amino acid sequence of the ACP5 protein. It affects a nucleotide within the consensus splice site. This variant is present in population databases (rs773090099, gnomAD 0.0009%). This variant has not been reported in the literature in individuals affected with ACP5-related conditions. ClinVar contains an entry for this variant (Variation ID: 1353878). Variants that disrupt the consensus splice site are a relatively common cause of aberrant splicing (PMID: 17576681, 9536098). Algorithms developed to predict the effect of sequence changes on RNA splicing suggest that this variant is not likely to affect RNA splicing. In summary, the available evidence is currently insufficient to determine the role of this variant in disease. Therefore, it has been classified as a Variant of Uncertain Significance.

Literature cited by the submitters: PubMed 17576681; PubMed 9536098.